The following is an entry in ClinVar:

NM_005592.4(MUSK):c.1915G>A (p.Val639Met)

Gene: MUSK (muscle associated receptor tyrosine kinase; plus strand). Cytogenetic location: 9q31.3.
Variant type: single nucleotide variant.
Coding change: c.1915G>A on transcript NM_005592.4 (MANE Select); coding-DNA position 1915, G replaced by A.
Protein change: p.Val639Met; replaces valine 639 with methionine.
Molecular consequence: missense variant.
Genome position (GRCh38, 1-based): chr9:110,787,826, G>A. VCF-style: chr9-110787826-G-A. GRCh37 (hg19) VCF-style: chr9-113550106-G-A.
Other names: c.1657G>A, p.Val553Met (NM_001166280.2); c.1627G>A, p.Val543Met (NM_001166281.2); c.655G>A, p.Val219Met (NM_001369398.1); short protein forms V219M, V639M, V543M, V553M.
Identifiers: ClinVar variation 1513011 (VCV001513011.5), dbSNP rs766810675, ClinGen allele CA5184501.

ClinVar aggregate classification (germline): Uncertain significance (1 of 4 stars; one submission).

Conditions:
Fetal akinesia deformation sequence 1 (FADS1). Also called: Pena-Shokeir syndrome type I; Fetal akinesia sequence. Identifiers: Orphanet 994, MedGen C1276035, MONDO:0100101, OMIM 208150, HP:0001989.
Congenital myasthenic syndrome 9. Also called: Myasthenic syndrome, congenital, 9, associated with acetylcholine receptor deficiency. Identifiers: Orphanet 590, MedGen C4225368, MONDO:0014587, OMIM 616325.

Allele frequency attached by ClinVar (database versions not stated): gnomAD exomes 0.00001 and 0.00002; ExAC 0.00002.
gnomAD v4.1: 22 of 1,611,994 alleles (0.0014%); highest among the groups gnomAD compares: Non-Finnish European, 0.0018%; no homozygotes.

Submission:

Labcorp Genetics (formerly Invitae), Labcorp
Classification: Uncertain significance for Congenital myasthenic syndrome 9; Fetal akinesia deformation sequence 1. Last evaluated: 2022-08-23. Review status: criteria provided, single submitter. Criteria: Invitae Variant Classification Sherloc (09022015). Collection method: clinical testing. Allele origin: germline.
Comment: This sequence change replaces valine, which is neutral and non-polar, with methionine, which is neutral and non-polar, at codon 639 of the MUSK protein (p.Val639Met). This variant is present in population databases (rs766810675, gnomAD 0.003%). This variant has not been reported in the literature in individuals affected with MUSK-related conditions. ClinVar contains an entry for this variant (Variation ID: 1513011). Advanced modeling of protein sequence and biophysical properties (such as structural, functional, and spatial information, amino acid conservation, physicochemical variation, residue mobility, and thermodynamic stability) performed at Invitae indicates that this missense variant is expected to disrupt MUSK protein function. In summary, the available evidence is currently insufficient to determine the role of this variant in disease. Therefore, it has been classified as a Variant of Uncertain Significance.